The following is an entry in ClinVar:

NM_001457.4(FLNB):c.4298C>T (p.Ser1433Leu)

Gene: FLNB (filamin B; plus strand). Cytogenetic location: 3p14.3.
Variant type: single nucleotide variant.
Coding change: c.4298C>T on transcript NM_001457.4 (MANE Select); coding-DNA position 4298, C replaced by T.
Protein change: p.Ser1433Leu; replaces serine 1433 with leucine.
Molecular consequence: missense variant.
Genome position (GRCh38, 1-based): chr3:58,130,816, C>T. VCF-style: chr3-58130816-C-T. GRCh37 (hg19) VCF-style: chr3-58116543-C-T.
Other names: c.4298C>T, p.Ser1433Leu (NM_001164317.2, NM_001164318.2, NM_001164319.2); short protein forms S1433L.
Identifiers: ClinVar variation 2123613 (VCV002123613.6), dbSNP rs142764838, ClinGen allele CA75453473.

ClinVar aggregate classification (germline): Uncertain significance. Review status: criteria provided, multiple submitters, no conflicts (2 of 4 stars). 2 submissions from 2 submitters: Uncertain significance (2). Last evaluated 2025-08-26.

Conditions:
Inborn genetic diseases. Identifiers: MedGen C0950123, MeSH D030342.

Allele frequency attached by ClinVar (database versions not stated): gnomAD exomes 0.00001; TOPMed 0.00001; ESP Exome Variant Server 0.00008.
gnomAD v4.1: 7 of 1,613,828 alleles (0.00043%); highest among the groups gnomAD compares: South Asian, 0.0011%; no homozygotes.

Submissions (2):

Ambry Genetics
Classification: Uncertain significance for Inborn genetic diseases. Last evaluated: 2025-08-26. Review status: criteria provided, single submitter. Criteria: Ambry Variant Classification Scheme 2023. Collection method: clinical testing. Allele origin: germline.

Labcorp Genetics (formerly Invitae), Labcorp
Classification: Uncertain significance. Last evaluated: 2022-05-29. Review status: criteria provided, single submitter. Criteria: Invitae Variant Classification Sherloc (09022015). Collection method: clinical testing. Allele origin: germline.
Comment: This sequence change replaces serine, which is neutral and polar, with leucine, which is neutral and non-polar, at codon 1433 of the FLNB protein (p.Ser1433Leu). This variant is not present in population databases (gnomAD no frequency). This variant has not been reported in the literature in individuals affected with FLNB-related conditions. Advanced modeling of protein sequence and biophysical properties (such as structural, functional, and spatial information, amino acid conservation, physicochemical variation, residue mobility, and thermodynamic stability) performed at Invitae indicates that this missense variant is not expected to disrupt FLNB protein function. In summary, the available evidence is currently insufficient to determine the role of this variant in disease. Therefore, it has been classified as a Variant of Uncertain Significance.